The following is an entry in ClinVar:

NM_000481.4(AMT):c.1141C>A (p.Arg381=)

Gene: AMT (aminomethyltransferase; minus strand). Cytogenetic location: 3p21.31.
Variant type: single nucleotide variant.
Coding change: c.1141C>A on transcript NM_000481.4 (MANE Select); coding-DNA position 1141, C replaced by A.
Protein change: p.Arg381=; no amino-acid change (arginine 381 retained).
Molecular consequence: synonymous variant. On other transcripts: non-coding transcript variant (1), intron variant (1).
Genome position (GRCh38, 1-based): chr3:49,417,611, G>T on the plus strand (C>A on the coding strand, the complement: AMT is on the minus strand). VCF-style: chr3-49417611-G-T. GRCh37 (hg19) VCF-style: chr3-49455044-G-T.
Other names: c.1009C>A, p.Arg337= (NM_001164710.2); c.973C>A, p.Arg325= (NM_001164711.2); c.1137+4C>A (NM_001164712.2).
Identifiers: ClinVar variation 1490495 (VCV001490495.5), dbSNP rs775324601, ClinGen allele CA433838573.

ClinVar aggregate classification (germline): Uncertain significance (1 of 4 stars; one submission).

Conditions:
Glycine encephalopathy. Also called: Non-ketotic hyperglycinemia; Nonketotic hyperglycinemia. Identifiers: Orphanet 407, MedGen C0751748, MONDO:0011612, HP:0008288.

gnomAD v4.1: 7 of 1,613,994 alleles (0.00043%); highest among the groups gnomAD compares: African/African-American, 0.0067%; no homozygotes.

Submission:

Labcorp Genetics (formerly Invitae), Labcorp
Classification: Uncertain significance for Glycine encephalopathy. Last evaluated: 2021-08-27. Review status: criteria provided, single submitter. Criteria: Invitae Variant Classification Sherloc (09022015). Collection method: clinical testing. Allele origin: germline.
Comment: This sequence change affects codon 381 of the AMT mRNA. It is a 'silent' change, meaning that it does not change the encoded amino acid sequence of the AMT protein. This variant is not present in population databases (ExAC no frequency). This variant has not been reported in the literature in individuals affected with AMT-related conditions. Algorithms developed to predict the effect of sequence changes on RNA splicing suggest that this variant may create or strengthen a splice site. In summary, the available evidence is currently insufficient to determine the role of this variant in disease. Therefore, it has been classified as a Variant of Uncertain Significance.